The following is an entry in ClinVar:

NC_000008.10:g.(?_68061998)_(68089981_?)dup

Gene: CSPP1 (centrosome and spindle pole associated protein 1; plus strand). Cytogenetic location: 8q13.2.
Variant type: Duplication.
Identifiers: ClinVar variation 3245535 (VCV003245535.1).

ClinVar aggregate classification (germline): Likely pathogenic (1 of 4 stars; one submission).

Conditions:
Joubert syndrome 21 (JBTS21). Identifiers: MedGen C3810212, MONDO:0014288, OMIM 615636.

Submission:

Labcorp Genetics (formerly Invitae), Labcorp
Classification: Likely pathogenic for Joubert syndrome 21. Last evaluated: 2022-11-03. Review status: criteria provided, single submitter. Criteria: Invitae Variant Classification Sherloc (09022015). Collection method: clinical testing. Allele origin: unknown.
Comment: In summary, the currently available evidence indicates that the variant is pathogenic, but additional data are needed to prove that conclusively. Therefore, this variant has been classified as Likely Pathogenic. This variant has not been reported in the literature in individuals affected with CSPP1-related conditions. This variant results in a copy number gain of the genomic region encompassing exon(s) 16-25 of the CSPP1 gene. While the exact position of this variant cannot be determined from the data, sub-genic copy number gains are generally in tandem (PMID: 25640679). This variant is predicted to be out-of-frame, and may result in an absent or disrupted protein product. Loss-of-function variants in CSPP1 are known to be pathogenic (PMID: 24360807, 24360808).

Literature cited by the submitters: PubMed 25640679; PubMed 24360807; PubMed 24360808.